The following is an entry in ClinVar:

ClinVar aggregate classification (germline): Likely benign (1 of 4 stars; one submission).

Conditions:
PLD1-related disorder. Also called: PLD1-related condition.

gnomAD v4.1: 234 of 1,612,380 alleles (0.015%); highest among the groups gnomAD compares: South Asian, 0.21%; 4 homozygotes.

Submission:

PreventionGenetics, part of Exact Sciences
Classification: Likely benign for PLD1-related condition. Last evaluated: 2025-04-08. Review status: criteria provided, single submitter. Criteria: ACMG Guidelines, 2015. Collection method: clinical testing. Allele origin: germline.
Comment: This variant is classified as likely benign based on ACMG/AMP sequence variant interpretation guidelines (Richards et al. 2015 PMID: 25741868, with internal and published modifications).

NM_002662.5(PLD1):c.16G>A (p.Glu6Lys)

Gene: PLD1 (phospholipase D1; minus strand). Cytogenetic location: 3q26.31.
Variant type: single nucleotide variant.
Coding change: c.16G>A on transcript NM_002662.5 (MANE Select); coding-DNA position 16, G replaced by A.
Protein change: p.Glu6Lys; replaces glutamic acid 6 with lysine.
Molecular consequence: missense variant.
Genome position (GRCh38, 1-based): chr3:171,738,036, C>T on the plus strand (G>A on the coding strand, the complement: PLD1 is on the minus strand). VCF-style: chr3-171738036-C-T. GRCh37 (hg19) VCF-style: chr3-171455826-C-T.
Other names: c.16G>A, p.Glu6Lys (NM_001130081.3); short protein forms E6K.
Identifiers: ClinVar variation 5002320 (VCV005002320.1).